The following is an entry in ClinVar:

ClinVar aggregate classification (germline): Benign/Likely benign. Review status: criteria provided, multiple submitters, no conflicts (2 of 4 stars). 3 submissions from 3 submitters: Benign (2); Likely benign (1). Last evaluated 2023-10-16.

Conditions:
Focal dermal hypoplasia (FDH). Also called: Goltz syndrome. Identifiers: Orphanet 2092, MedGen C0016395, MONDO:0010592, OMIM 305600.

Allele frequency attached by ClinVar (database versions not stated): gnomAD exomes 0.00006 and 0.00028; gnomAD 0.00007 and 0.00010; TOPMed 0.00015; ExAC 0.00031; 1000 Genomes Project 30x 0.00062; 1000 Genomes Project 0.00079.
gnomAD v4.1: 78 of 1,208,323 alleles (0.0065%); highest among the groups gnomAD compares: East Asian, 0.17%; no homozygotes.

Submissions (3):

Labcorp Genetics (formerly Invitae), Labcorp
Classification: Benign. Last evaluated: 2023-10-16. Review status: criteria provided, single submitter. Criteria: Invitae Variant Classification Sherloc (09022015). Collection method: clinical testing. Allele origin: germline.

CeGaT Center for Human Genetics Tuebingen
Classification: Likely benign. Last evaluated: 2022-11-01. Review status: criteria provided, single submitter. Criteria: CeGaT Center For Human Genetics Tuebingen Variant Classification Criteria Version 2. Collection method: clinical testing. Allele origin: germline. Affected: yes. Observed: 1 variant allele.
Comment: PORCN: BS2

Department of Pathology and Laboratory Medicine, Sinai Health System
Classification: Benign for Focal dermal hypoplasia. Last evaluated: 2021-08-10. Review status: criteria provided, single submitter. Criteria: ACMG Guidelines, 2015. Collection method: research. Allele origin: germline.

NM_203475.3(PORCN):c.301G>A (p.Val101Ile)

Gene: PORCN (porcupine O-acyltransferase; plus strand). Cytogenetic location: Xp11.23.
Variant type: single nucleotide variant.
Coding change: c.301G>A on transcript NM_203475.3 (MANE Select); coding-DNA position 301, G replaced by A.
Protein change: p.Val101Ile; replaces valine 101 with isoleucine.
Molecular consequence: missense variant.
Genome position (GRCh38, 1-based): chrX:48,511,459, G>A. VCF-style: chrX-48511459-G-A. GRCh37 (hg19) VCF-style: chrX-48369847-G-A.
Other names: c.88G>A, p.Val30Ile (NM_001282167.2); c.301G>A, p.Val101Ile (NM_022825.4, NM_203473.3, NM_203474.1); short protein forms V30I, V101I.
Identifiers: ClinVar variation 729547 (VCV000729547.31), dbSNP rs182435804, ClinGen allele CA10402721.